The following is an entry in ClinVar:

ClinVar aggregate classification (germline): Conflicting classifications of pathogenicity. Review status: criteria provided, conflicting classifications (1 of 4 stars). 12 submissions from 12 submitters: Uncertain significance (1); Benign (1); Likely benign (7). 3 of the submissions do not count toward it. Last evaluated 2026-03-01.

Conditions:
PCNT-related disorder. Also called: PCNT-related condition.
Inborn genetic diseases. Identifiers: MedGen C0950123, MeSH D030342.
Microcephalic osteodysplastic primordial dwarfism type II (MOPD2). Also called: MOPD II; OSTEODYSPLASTIC PRIMORDIAL DWARFISM, TYPE II; Microcephalic osteodysplastic primordial dwarfism with tooth abnormalities. Identifiers: Orphanet 2637, MedGen C0432246, MONDO:0008872, OMIM 210720.

Allele frequency attached by ClinVar (database versions not stated): 1000 Genomes Project 0.00060; TOPMed 0.00221; ESP Exome Variant Server 0.00261; 1000 Genomes Project 30x 0.00047.
gnomAD v4.1: 5,780 of 1,607,282 alleles (0.36%); highest among the groups gnomAD compares: Non-Finnish European, 0.43%; 26 homozygotes.

Submissions (12):

CeGaT Center for Human Genetics Tuebingen
Classification: Likely benign. Last evaluated: 2026-03-01. Review status: criteria provided, single submitter. Criteria: CeGaT Center For Human Genetics Tuebingen Variant Classification Criteria Version 2. Collection method: clinical testing. Allele origin: germline. Affected: yes. Observed: 6 variant alleles.
Comment: PCNT: BP4, BS2

Labcorp Genetics (formerly Invitae), Labcorp
Classification: Benign. Last evaluated: 2026-01-24. Review status: criteria provided, single submitter. Criteria: Invitae Variant Classification Sherloc (09022015). Collection method: clinical testing. Allele origin: germline.

Blueprint Genetics
Classification: Likely benign. Last evaluated: 2024-11-28. Review status: criteria provided, single submitter. Criteria: ACMG Guidelines, 2015. Collection method: clinical testing. Allele origin: germline.

ARUP Laboratories, Molecular Genetics and Genomics, ARUP Laboratories
Classification: Likely benign for Microcephalic osteodysplastic primordial dwarfism type II. Last evaluated: 2023-10-09. Review status: criteria provided, single submitter. Criteria: ARUP Molecular Germline Variant Investigation Process 2024. Collection method: clinical testing. Allele origin: germline.

Ambry Genetics
Classification: Uncertain significance for Inborn genetic diseases. Last evaluated: 2021-09-16. Review status: criteria provided, single submitter. Criteria: Ambry Variant Classification Scheme 2023. Collection method: clinical testing. Allele origin: germline.

GeneDx
Classification: Likely benign. Last evaluated: 2020-02-06. Review status: criteria provided, single submitter. Criteria: GeneDx Variant Classification Process June 2021. Collection method: clinical testing. Allele origin: germline. Affected: yes.

Illumina Laboratory Services, Illumina
Classification: Likely benign for Microcephalic osteodysplastic primordial dwarfism type II. Last evaluated: 2018-01-13. Review status: criteria provided, single submitter. Criteria: ICSL Variant Classification Criteria 13 December 2019. Collection method: clinical testing. Allele origin: germline.
Comment: This variant was observed in the ICSL laboratory as part of a predisposition screen in an ostensibly healthy population. It had not been previously curated by ICSL or reported in the Human Gene Mutation Database (HGMD: prior to June 1st, 2018), and was therefore a candidate for classification through an automated scoring system. Utilizing variant allele frequency, disease prevalence and penetrance estimates, and inheritance mode, an automated score was calculated to assess if this variant is too frequent to cause the disease. Based on the score and internal cut-off values, a variant classified as likely benign is not then subjected to further curation. The score for this variant resulted in a classification of likely benign for this disease.

Eurofins Ntd Llc (ga)
Classification: Likely benign. Last evaluated: 2015-10-14. Review status: criteria provided, single submitter. Criteria: EGL Classification Definitions 2015. Collection method: clinical testing. Allele origin: germline. Observed: 1 variant allele, 1 heterozygote.

Genetic Services Laboratory, University of Chicago
Classification: Likely benign. Last evaluated: 2015-08-03. Review status: criteria provided, single submitter. Criteria: ACMG Guidelines, 2015. Collection method: clinical testing. Allele origin: germline.

PreventionGenetics, part of Exact Sciences
Classification: Likely benign for PCNT-related condition. Last evaluated: 2021-02-26. Review status: no assertion criteria provided. Collection method: clinical testing. Allele origin: germline. Not counted in ClinVar's aggregate classification.
Comment: This variant is classified as likely benign based on ACMG/AMP sequence variant interpretation guidelines (Richards et al. 2015 PMID: 25741868, with internal and published modifications).

Clinical Genetics DNA and cytogenetics Diagnostics Lab, Erasmus MC, Erasmus Medical Center
Classification: Likely benign. Review status: no assertion criteria provided. Collection method: clinical testing. Allele origin: germline. Affected: yes. Study: VKGL Data-share Consensus. Not counted in ClinVar's aggregate classification.

Laboratory of Diagnostic Genome Analysis, Leiden University Medical Center (LUMC)
Classification: Likely benign. Review status: no assertion criteria provided. Collection method: clinical testing. Allele origin: germline. Affected: yes. Study: VKGL Data-share Consensus. Not counted in ClinVar's aggregate classification.

NM_006031.6(PCNT):c.4571C>G (p.Pro1524Arg)

Gene: PCNT (pericentrin; plus strand). Cytogenetic location: 21q22.3.
Variant type: single nucleotide variant.
Coding change: c.4571C>G on transcript NM_006031.6 (MANE Select); coding-DNA position 4571, C replaced by G.
Protein change: p.Pro1524Arg; replaces proline 1524 with arginine.
Molecular consequence: missense variant.
Genome position (GRCh38, 1-based): chr21:46,398,242, C>G. VCF-style: chr21-46398242-C-G. GRCh37 (hg19) VCF-style: chr21-47818156-C-G.
Other names: c.4217C>G, p.Pro1406Arg (NM_001315529.2); short protein forms P1524R, P1406R.
Identifiers: ClinVar variation 159605 (VCV000159605.69), dbSNP rs35513449, ClinGen allele CA173008.